The following is an entry in ClinVar:

NM_005529.7(HSPG2):c.12922C>T (p.Gln4308Ter)

Genes: HSPG2 (heparan sulfate proteoglycan 2; minus strand), LDLRAD2 (low density lipoprotein receptor class A domain containing 2; plus strand). Cytogenetic location: 1p36.12.
Variant type: single nucleotide variant.
Coding change: c.12922C>T on transcript NM_005529.7 (MANE Select); coding-DNA position 12922, C replaced by T.
Protein change: p.Gln4308Ter; replaces glutamine 4308 with a stop codon.
Molecular consequence: nonsense. On other transcripts: 3 prime UTR variant (1).
Genome position (GRCh38, 1-based): chr1:21,823,697, G>A on the plus strand (C>T on the coding strand, the complement: HSPG2 is on the minus strand). VCF-style: chr1-21823697-G-A. GRCh37 (hg19) VCF-style: chr1-22150190-G-A.
Other names: c.12925C>T, p.Gln4309Ter (NM_001291860.2); c.*1482G>A (NM_001013693.3); short protein forms Q4308*, Q4309*.
Identifiers: ClinVar variation 1075682 (VCV001075682.9), dbSNP rs2097958823, ClinGen allele CA338896188.

ClinVar aggregate classification (germline): Pathogenic/Likely pathogenic. Review status: criteria provided, multiple submitters, no conflicts (2 of 4 stars). 2 submissions from 2 submitters: Pathogenic (1); Likely pathogenic (1). Last evaluated 2024-02-27.

Allele frequency attached by ClinVar (database versions not stated): TOPMed below 0.00001; gnomAD 0.00001.
gnomAD v4.1: 1 of 1,613,486 alleles (0.000062%); highest among the groups gnomAD compares: Admixed American, 0.0017%; no homozygotes.

Submissions (2):

Revvity Omics, Revvity
Classification: Likely pathogenic. Last evaluated: 2024-02-27. Review status: criteria provided, single submitter. Criteria: ACMG Guidelines, 2015. Collection method: clinical testing. Allele origin: germline.

Labcorp Genetics (formerly Invitae), Labcorp
Classification: Pathogenic. Last evaluated: 2022-08-15. Review status: criteria provided, single submitter. Criteria: Invitae Variant Classification Sherloc (09022015). Collection method: clinical testing. Allele origin: germline.
Comment: This sequence change creates a premature translational stop signal (p.Gln4308*) in the HSPG2 gene. It is expected to result in an absent or disrupted protein product. Loss-of-function variants in HSPG2 are known to be pathogenic (PMID: 11279527, 16927315, 20542149, 23836246). This variant is not present in population databases (gnomAD no frequency). This variant has not been reported in the literature in individuals affected with HSPG2-related conditions. ClinVar contains an entry for this variant (Variation ID: 1075682). For these reasons, this variant has been classified as Pathogenic.

Literature cited by the submitters: PubMed 11279527 (cited by Labcorp Genetics (formerly Invitae), Labcorp); PubMed 16927315 (cited by Labcorp Genetics (formerly Invitae), Labcorp); PubMed 20542149 (cited by Labcorp Genetics (formerly Invitae), Labcorp); PubMed 23836246 (cited by Labcorp Genetics (formerly Invitae), Labcorp).